The following is an entry in ClinVar:

NM_024408.4(NOTCH2):c.2132G>A (p.Gly711Glu)

Gene: NOTCH2 (notch receptor 2; minus strand). Cytogenetic location: 1p12.
Variant type: single nucleotide variant.
Coding change: c.2132G>A on transcript NM_024408.4 (MANE Select); coding-DNA position 2132, G replaced by A.
Protein change: p.Gly711Glu; replaces glycine 711 with glutamic acid.
Molecular consequence: missense variant.
Genome position (GRCh38, 1-based): chr1:119,955,127, C>T on the plus strand (G>A on the coding strand, the complement: NOTCH2 is on the minus strand). VCF-style: chr1-119955127-C-T. GRCh37 (hg19) VCF-style: chr1-120497750-C-T.
Other names: c.2132G>A, p.Gly711Glu (NM_001200001.2); short protein forms G711E.
Identifiers: ClinVar variation 1986377 (VCV001986377.4), dbSNP rs781783067, ClinGen allele CA1040372.

ClinVar aggregate classification (germline): Uncertain significance (1 of 4 stars; one submission).

Conditions:
Hajdu-Cheney syndrome (HJCYS). Also called: SERPENTINE FIBULA-POLYCYSTIC KIDNEY SYNDROME; ACROOSTEOLYSIS WITH OSTEOPOROSIS AND CHANGES IN SKULL AND MANDIBLE; Acroosteolysis dominant type. Identifiers: Orphanet 955, MedGen C0917715, MONDO:0007057, OMIM 102500.

Allele frequency attached by ClinVar (database versions not stated): gnomAD exomes below 0.00001; TOPMed below 0.00001; ExAC 0.00002.
gnomAD v4.1: 2 of 1,614,090 alleles (0.00012%); highest among the groups gnomAD compares: Admixed American, 0.0033%; no homozygotes.

Submission:

Labcorp Genetics (formerly Invitae), Labcorp
Classification: Uncertain significance for Hajdu-Cheney syndrome. Last evaluated: 2024-05-15. Review status: criteria provided, single submitter. Criteria: Invitae Variant Classification Sherloc (09022015). Collection method: clinical testing. Allele origin: germline.
Comment: This sequence change replaces glycine, which is neutral and non-polar, with glutamic acid, which is acidic and polar, at codon 711 of the NOTCH2 protein (p.Gly711Glu). This variant is present in population databases (rs781783067, gnomAD 0.006%). This variant has not been reported in the literature in individuals affected with NOTCH2-related conditions. ClinVar contains an entry for this variant (Variation ID: 1986377). Advanced modeling of protein sequence and biophysical properties (such as structural, functional, and spatial information, amino acid conservation, physicochemical variation, residue mobility, and thermodynamic stability) performed at Invitae indicates that this missense variant is expected to disrupt NOTCH2 protein function with a positive predictive value of 95%. In summary, the available evidence is currently insufficient to determine the role of this variant in disease. Therefore, it has been classified as a Variant of Uncertain Significance.